The following is an entry in ClinVar:

NM_001728.4(BSG):c.444C>T (p.Asp148=)

Gene: BSG (basigin (Ok blood group); plus strand). Cytogenetic location: 19p13.3.
Variant type: single nucleotide variant.
Coding change: c.444C>T on transcript NM_001728.4 (MANE Select); coding-DNA position 444, C replaced by T.
Protein change: p.Asp148=; no amino-acid change (aspartic acid 148 retained).
Molecular consequence: synonymous variant. On other transcripts: 5 prime UTR variant (1), intron variant (1).
Genome position (GRCh38, 1-based): chr19:579,528, C>T. VCF-style: chr19-579528-C-T. GRCh37 (hg19) VCF-style: chr19-579528-C-T.
Other names: c.96C>T, p.Asp32= (NM_001322243.2, NM_198589.3); c.-184C>T (NM_198590.3); c.-55-851C>T (NM_198591.4).
Identifiers: ClinVar variation 3047114 (VCV003047114.2), dbSNP rs145196054, ClinGen allele CA9017775.
Genomic context (GRCh38, chr19:579,528, plus strand): 5'-CTCTGCTGACCGCGTCTCGCCGGGCCTTGCAGCCGGCACAGTCTTCACTACCGTAGAAGA[C>T]CTTGGCTCCAAGATACTCCTCACCTGCTCCTTGAATGACAGCGCCACAGAGGTCACAGGG-3'
Protein context (NP_001719.2, residues 138-158): EPGTVFTTVE[Asp148=]LGSKILLTCS

ClinVar aggregate classification (germline): Likely benign (0 of 4 stars; one submission).

Conditions:
BSG-related disorder. Also called: BSG-related condition.

Allele frequency attached by ClinVar (database versions not stated): ESP Exome Variant Server 0.00008.
gnomAD v4.1: 6 of 1,612,714 alleles (0.00037%); highest among the groups gnomAD compares: Non-Finnish European, 0.00051%; no homozygotes.

Submission:

PreventionGenetics, part of Exact Sciences
Classification: Likely benign for BSG-related condition. Last evaluated: 2019-04-09. Review status: no assertion criteria provided. Collection method: clinical testing. Allele origin: germline.
Comment: This variant is classified as likely benign based on ACMG/AMP sequence variant interpretation guidelines (Richards et al. 2015 PMID: 25741868, with internal and published modifications).